The following is an entry in ClinVar:

NM_003906.5(MCM3AP):c.1615C>T (p.Pro539Ser)

Gene: MCM3AP (minichromosome maintenance complex component 3 associated protein; minus strand). Cytogenetic location: 21q22.3.
Variant type: single nucleotide variant.
Coding change: c.1615C>T on transcript NM_003906.5 (MANE Select); coding-DNA position 1615, C replaced by T.
Protein change: p.Pro539Ser; replaces proline 539 with serine.
Molecular consequence: missense variant.
Genome position (GRCh38, 1-based): chr21:46,280,045, G>A on the plus strand (C>T on the coding strand, the complement: MCM3AP is on the minus strand). VCF-style: chr21-46280045-G-A. GRCh37 (hg19) VCF-style: chr21-47699959-G-A.
Other names: short protein forms P539S.
Identifiers: ClinVar variation 1488893 (VCV001488893.4), dbSNP rs1230841763, ClinGen allele CA410529259.

ClinVar aggregate classification (germline): Uncertain significance (1 of 4 stars; one submission).

Allele frequency attached by ClinVar (database versions not stated): gnomAD exomes below 0.00001; TOPMed 0.00001.
gnomAD v4.1: 2 of 1,614,190 alleles (0.00012%); highest among the groups gnomAD compares: South Asian, 0.0011%; no homozygotes.

Submission:

Labcorp Genetics (formerly Invitae), Labcorp
Classification: Uncertain significance. Last evaluated: 2022-06-05. Review status: criteria provided, single submitter. Criteria: Invitae Variant Classification Sherloc (09022015). Collection method: clinical testing. Allele origin: germline.
Comment: In summary, the available evidence is currently insufficient to determine the role of this variant in disease. Therefore, it has been classified as a Variant of Uncertain Significance. Algorithms developed to predict the effect of missense changes on protein structure and function output the following: SIFT: "Deleterious"; PolyPhen-2: "Benign"; Align-GVGD: "Class C65". The serine amino acid residue is found in multiple mammalian species, which suggests that this missense change does not adversely affect protein function. ClinVar contains an entry for this variant (Variation ID: 1488893). This variant has not been reported in the literature in individuals affected with MCM3AP-related conditions. This variant is not present in population databases (gnomAD no frequency). This sequence change replaces proline, which is neutral and non-polar, with serine, which is neutral and polar, at codon 539 of the MCM3AP protein (p.Pro539Ser).